The following is an entry in ClinVar:

ClinVar aggregate classification (germline): Benign (1 of 4 stars; one submission).

Conditions:
Hereditary pheochromocytoma and paraganglioma. Also called: Hereditary Paraganglioma-Pheochromocytoma Syndromes; Hereditary paragangliomas and pheochromocytomas; Hereditary pheochromocytoma-paraganglioma. Identifiers: Orphanet 29072, MedGen C4274332, MONDO:0017366.

Allele frequency attached by ClinVar (database versions not stated): gnomAD exomes 0.00066; TOPMed 0.00301; gnomAD 0.00252 and 0.00273; 1000 Genomes Project 0.00339; 1000 Genomes Project 30x 0.00359.

Submission:

Illumina Laboratory Services, Illumina
Classification: Benign for Hereditary Paraganglioma-Pheochromocytoma Syndromes. Last evaluated: 2018-01-12. Review status: criteria provided, single submitter. Criteria: ICSL Variant Classification Criteria 13 December 2019. Collection method: clinical testing. Allele origin: germline.
Comment: This variant was observed in the ICSL laboratory as part of a predisposition screen in an ostensibly healthy population. It had not been previously curated by ICSL or reported in the Human Gene Mutation Database (HGMD: prior to June 1st, 2018), and was therefore a candidate for classification through an automated scoring system. Utilizing variant allele frequency, disease prevalence and penetrance estimates, and inheritance mode, an automated score was calculated to assess if this variant is too frequent to cause the disease. Based on the score and internal cut-off values, a variant classified as benign is not then subjected to further curation. The score for this variant resulted in a classification of benign for this disease.

NM_003001.3(SDHC):c.*1378T>C

Gene: SDHC (succinate dehydrogenase complex subunit C; plus strand). Cytogenetic location: 1q23.3.
Variant type: single nucleotide variant.
Coding change: c.*1378T>C on transcript NM_003001.3; 1378 bases downstream of the stop codon, T replaced by C.
Genome position (GRCh38, 1-based): chr1:161,363,811, T>C. VCF-style: chr1-161363811-T-C. GRCh37 (hg19) VCF-style: chr1-161333601-T-C.
Identifiers: ClinVar variation 293348 (VCV000293348.7), dbSNP rs116141910, ClinGen allele CA10608599.